The following is an entry in ClinVar:

NM_000539.3(RHO):c.937-1G>T

Gene: RHO (rhodopsin; plus strand). Cytogenetic location: 3q22.1.
Variant type: single nucleotide variant.
Coding change: c.937-1G>T on transcript NM_000539.3 (MANE Select); the canonical splice acceptor site of the intron before coding-DNA position 937, G replaced by T.
Molecular consequence: splice acceptor variant.
Genome position (GRCh38, 1-based): chr3:129,533,607, G>T. VCF-style: chr3-129533607-G-T. GRCh37 (hg19) VCF-style: chr3-129252450-G-T.
Identifiers: ClinVar variation 2734567 (VCV002734567.4), dbSNP rs2084800561, ClinGen allele CA354471067.

ClinVar aggregate classification (germline): Pathogenic. Review status: criteria provided, multiple submitters, no conflicts (2 of 4 stars). 2 submissions from 2 submitters: Pathogenic (2). Last evaluated 2023-09-21.

Conditions:
Retinal dystrophy. Also called: Inherited retinal dystrophy. Identifiers: Orphanet 71862, MedGen C0854723, MeSH D058499, MONDO:0019118, HP:0000556.

Allele frequency attached by ClinVar (database versions not stated): gnomAD exomes below 0.00001.

Submissions (2):

Labcorp Genetics (formerly Invitae), Labcorp
Classification: Pathogenic. Last evaluated: 2023-09-21. Review status: criteria provided, single submitter. Criteria: Invitae Variant Classification Sherloc (09022015). Collection method: clinical testing. Allele origin: germline.
Comment: This sequence change affects an acceptor splice site in intron 4 of the RHO gene. While this variant is not anticipated to result in nonsense mediated decay, it likely alters RNA splicing and results in a disrupted protein product. For these reasons, this variant has been classified as Pathogenic. Variants that disrupt the consensus splice site are a relatively common cause of aberrant splicing (PMID: 17576681, 9536098). Algorithms developed to predict the effect of sequence changes on RNA splicing suggest that this variant may disrupt the consensus splice site. Disruption of this splice site has been observed in individuals with clinical features of autosomal dominant retinitis pigmentosa (PMID: 28045043). It has also been observed to segregate with disease in related individuals. This variant is not present in population databases (gnomAD no frequency).

Institute of Human Genetics, Univ. Regensburg, Univ. Regensburg
Classification: Pathogenic for Retinal dystrophy. Last evaluated: 2022-01-01. Review status: criteria provided, single submitter. Criteria: ACMG Guidelines, 2015. Collection method: clinical testing. Allele origin: germline. Affected: yes.

Literature cited by the submitters: PubMed 17576681 (cited by Labcorp Genetics (formerly Invitae), Labcorp); PubMed 9536098 (cited by Labcorp Genetics (formerly Invitae), Labcorp); PubMed 28045043 (cited by Labcorp Genetics (formerly Invitae), Labcorp and Institute of Human Genetics, Univ. Regensburg, Univ. Regensburg); PubMed 8807346 (cited by Institute of Human Genetics, Univ. Regensburg, Univ. Regensburg); PubMed 21357407 (cited by Institute of Human Genetics, Univ. Regensburg, Univ. Regensburg); PubMed 24265693 (cited by Institute of Human Genetics, Univ. Regensburg, Univ. Regensburg); PubMed 32795431 (cited by Institute of Human Genetics, Univ. Regensburg, Univ. Regensburg).